The following is an entry in ClinVar:

ClinVar aggregate classification (germline): Uncertain significance. Review status: criteria provided, multiple submitters, no conflicts (2 of 4 stars). 2 submissions from 2 submitters: Uncertain significance (2). Last evaluated 2025-01-23.

Conditions:
Cystic fibrosis (CF). Also called: MUCOVISCIDOSIS. Identifiers: Orphanet 586, MedGen C0010674, MONDO:0009061, OMIM 219700. Disease mechanism: loss of function.

Allele frequency attached by ClinVar (database versions not stated): TOPMed below 0.00001.
gnomAD v4.1: 1 of 1,611,974 alleles (0.000062%); highest among the groups gnomAD compares: East Asian, 0.0022%; no homozygotes.

Submissions (2):

Labcorp Genetics (formerly Invitae), Labcorp
Classification: Uncertain significance for Cystic fibrosis. Last evaluated: 2025-01-23. Review status: criteria provided, single submitter. Criteria: Invitae Variant Classification Sherloc (09022015). Collection method: clinical testing. Allele origin: germline.
Comment: This sequence change replaces valine, which is neutral and non-polar, with alanine, which is neutral and non-polar, at codon 540 of the CFTR protein (p.Val540Ala). This variant is not present in population databases (gnomAD no frequency). This variant has not been reported in the literature in individuals affected with CFTR-related conditions. ClinVar contains an entry for this variant (Variation ID: 2904283). Invitae Evidence Modeling of protein sequence and biophysical properties (such as structural, functional, and spatial information, amino acid conservation, physicochemical variation, residue mobility, and thermodynamic stability) indicates that this missense variant is not expected to disrupt CFTR protein function with a negative predictive value of 80%. In summary, the available evidence is currently insufficient to determine the role of this variant in disease. Therefore, it has been classified as a Variant of Uncertain Significance.

Ambry Genetics
Classification: Uncertain significance for Cystic fibrosis. Last evaluated: 2024-04-20. Review status: criteria provided, single submitter. Criteria: Ambry Variant Classification Scheme 2023. Collection method: clinical testing. Allele origin: germline.
Comment: The p.V540A variant (also known as c.1619T>C), located in coding exon 12 of the CFTR gene, results from a T to C substitution at nucleotide position 1619. The valine at codon 540 is replaced by alanine, an amino acid with similar properties. This amino acid position is conserved. In addition, the in silico prediction for this alteration is inconclusive. Based on the available evidence, the clinical significance of this variant remains unclear.

NM_000492.4(CFTR):c.1619T>C (p.Val540Ala)

Genes: CFTR (CF transmembrane conductance regulator; plus strand), LOC111674475 (CFTR intron 11 enhancer; plus strand). Cytogenetic location: 7q31.2.
Variant type: single nucleotide variant.
Coding change: c.1619T>C on transcript NM_000492.4 (MANE Select); coding-DNA position 1619, T replaced by C.
Protein change: p.Val540Ala; replaces valine 540 with alanine.
Molecular consequence: missense variant.
Genome position (GRCh38, 1-based): chr7:117,587,773, T>C. VCF-style: chr7-117587773-T-C. GRCh37 (hg19) VCF-style: chr7-117227827-T-C.
Other names: short protein forms V540A.
Identifiers: ClinVar variation 2904283 (VCV002904283.4), dbSNP rs1562906305, ClinGen allele CA368975963.